The following is an entry in ClinVar:

ClinVar aggregate classification (germline): Likely benign (1 of 4 stars; one submission).

Conditions:
Familial cancer of breast. Also called: Hereditary breast cancer; BREAST CANCER, FAMILIAL; hereditary breast carcinoma. Identifiers: Orphanet 227535, MedGen C0346153, MONDO:0016419, OMIM 114480. Disease mechanism: loss of function.

Submission:

Myriad Genetics, Inc.
Classification: Likely benign for Familial cancer of breast. Last evaluated: 2024-10-04. Review status: criteria provided, single submitter. Criteria: Myriad Autosomal Dominant, Autosomal Recessive and X-Linked Classification Criteria (2023). Collection method: clinical testing. Allele origin: unknown.
Comment: This variant is considered likely benign. This variant is intronic and is not expected to impact mRNA splicing.

NM_007194.4(CHEK2):c.1008+7del

Gene: CHEK2 (checkpoint kinase 2; minus strand). Cytogenetic location: 22q12.1.
Variant type: Deletion.
Coding change: c.1008+7del on transcript NM_007194.4 (MANE Select); 7 bases into the intron after coding-DNA position 1008, one base deleted (G; older notation c.1008+7delG).
Molecular consequence: intron variant.
Genome position (GRCh38, 1-based): chr22:28,699,831, C deleted on the plus strand (G on the coding strand, the reverse complement: CHEK2 is on the minus strand). VCF-style (leftmost placement, unchanged base first): chr22-28699830-TC-T. GRCh37 (hg19) VCF-style: chr22-29095818-TC-T.
Other names: c.345+7del (NM_001437942.1, NM_001257387.3); c.807+7del (NM_001349956.3); c.1008+7del (NM_145862.3); c.1101+7del (NM_001438295.1, NM_001438293.1); c.1137+7del (NM_001438294.1, NM_001005735.3).
Identifiers: ClinVar variation 3773000 (VCV003773000.1).